The following is an entry in ClinVar:

ClinVar aggregate classification (germline): Benign. Review status: criteria provided, multiple submitters, no conflicts (2 of 4 stars). 11 submissions from 11 submitters: Benign (10). 1 of the submissions does not count toward it. Last evaluated 2026-02-04.

Conditions:
Nephronophthisis. Also called: Juvenile Nephronophthisis. Identifiers: Orphanet 655, MedGen C0687120, MONDO:0019005, HP:0000090.
Infantile nephronophthisis (NPHP2). Also called: Nephronophthisis 2; Nephronophthisis 2, infantile. Identifiers: Orphanet 655, Orphanet 93591, MedGen C1865872, MONDO:0011190, OMIM 602088.

Allele frequency attached by ClinVar (database versions not stated): 1000 Genomes Project 0.40735; 1000 Genomes Project 30x 0.41302; TOPMed 0.52673; gnomAD 0.53208; ESP Exome Variant Server 0.57389.
gnomAD v4.1: 867,440 of 1,613,762 alleles (54%); highest among the groups gnomAD compares: African/African-American, 59%; 244,431 homozygotes.

Submissions (11):

Labcorp Genetics (formerly Invitae), Labcorp
Classification: Benign for Nephronophthisis. Last evaluated: 2026-02-04. Review status: criteria provided, single submitter. Criteria: Invitae Variant Classification Sherloc (09022015). Collection method: clinical testing. Allele origin: germline.

Blueprint Genetics
Classification: Benign. Last evaluated: 2024-11-27. Review status: criteria provided, single submitter. Criteria: ACMG Guidelines, 2015. Collection method: clinical testing. Allele origin: germline.

Mayo Clinic Laboratories, Mayo Clinic
Classification: Benign. Last evaluated: 2022-05-05. Review status: criteria provided, single submitter. Criteria: ACMG Guidelines, 2015. Collection method: clinical testing. Allele origin: germline. Observed: 512 variant alleles.

Genome-Nilou Lab
Classification: Benign for Infantile nephronophthisis. Last evaluated: 2021-08-19. Review status: criteria provided, single submitter. Criteria: ACMG Guidelines, 2015. Collection method: clinical testing. Allele origin: germline. Affected: no.

GeneDx
Classification: Benign. Last evaluated: 2018-11-12. Review status: criteria provided, single submitter. Criteria: GeneDx Variant Classification Process June 2021. Collection method: clinical testing. Allele origin: germline. Affected: yes.

Illumina Laboratory Services, Illumina
Classification: Benign for Infantile nephronophthisis. Last evaluated: 2018-01-13. Review status: criteria provided, single submitter. Criteria: ICSL Variant Classification Criteria 13 December 2019. Collection method: clinical testing. Allele origin: germline.
Comment: This variant was observed in the ICSL laboratory as part of a predisposition screen in an ostensibly healthy population. It had not been previously curated by ICSL or reported in the Human Gene Mutation Database (HGMD: prior to June 1st, 2018), and was therefore a candidate for classification through an automated scoring system. Utilizing variant allele frequency, disease prevalence and penetrance estimates, and inheritance mode, an automated score was calculated to assess if this variant is too frequent to cause the disease. Based on the score and internal cut-off values, a variant classified as benign is not then subjected to further curation. The score for this variant resulted in a classification of benign for this disease.

Clinical Genetics DNA and cytogenetics Diagnostics Lab, Erasmus MC, Erasmus Medical Center
Classification: Benign for Infantile nephronophthisis. Last evaluated: 2015-09-21. Review status: criteria provided, single submitter. Criteria: ACGS Guidelines, 2013. Collection method: clinical testing. Allele origin: germline. Affected: yes. Study: VKGL Data-share Consensus.

Eurofins Ntd Llc (ga)
Classification: Benign. Last evaluated: 2014-04-02. Review status: criteria provided, single submitter. Criteria: EGL Classification Definitions 2015. Collection method: clinical testing. Allele origin: germline. Observed: 34 variant alleles, 20 heterozygotes, 14 homozygotes.

Breakthrough Genomics
Classification: Benign. Review status: criteria provided, single submitter. Criteria: ACMG Guidelines, 2015. Collection method: not provided. Allele origin: germline. Inheritance: Autosomal recessive inheritance. Affected: yes.

PreventionGenetics, part of Exact Sciences
Classification: Benign. Review status: criteria provided, single submitter. Criteria: ACMG Guidelines, 2015. Collection method: clinical testing. Allele origin: germline.

Diagnostic Laboratory, Department of Genetics, University Medical Center Groningen
Classification: Benign for Infantile nephronophthisis. Review status: no assertion criteria provided. Collection method: clinical testing. Allele origin: germline. Affected: yes. Study: VKGL Data-share Consensus. Not counted in ClinVar's aggregate classification.

NM_014425.5(INVS):c.2412T>C (p.Ser804=)

Gene: INVS (inversin; plus strand). Cytogenetic location: 9q31.1.
Variant type: single nucleotide variant.
Coding change: c.2412T>C on transcript NM_014425.5 (MANE Select); coding-DNA position 2412, T replaced by C.
Protein change: p.Ser804=; no amino-acid change (serine 804 retained).
Molecular consequence: synonymous variant. On other transcripts: non-coding transcript variant (1).
Genome position (GRCh38, 1-based): chr9:100,292,669, T>C. VCF-style: chr9-100292669-T-C. GRCh37 (hg19) VCF-style: chr9-103054951-T-C.
Other names: p.Ser804=; c.2124T>C, p.Ser708= (NM_001318381.2); c.1434T>C, p.Ser478= (NM_001318382.2).
Identifiers: ClinVar variation 95597 (VCV000095597.27), dbSNP rs2787374, ClinGen allele CA148641.